The following is an entry in ClinVar:

ClinVar aggregate classification (germline): Uncertain significance. Review status: criteria provided, multiple submitters, no conflicts (2 of 4 stars). 3 submissions from 3 submitters: Uncertain significance (3). Last evaluated 2024-09-09.

Conditions:
Hereditary cancer-predisposing syndrome. Also called: Neoplastic Syndromes, Hereditary; Tumor predisposition; Hereditary neoplastic syndrome; Hereditary Cancer Syndrome. Identifiers: Orphanet 140162, MedGen C0027672, MeSH D009386, MONDO:0015356.

Allele frequency attached by ClinVar (database versions not stated): TOPMed 0.00001.

Submissions (3):

Labcorp Genetics (formerly Invitae), Labcorp
Classification: Uncertain significance. Last evaluated: 2024-09-09. Review status: criteria provided, single submitter. Criteria: Invitae Variant Classification Sherloc (09022015). Collection method: clinical testing. Allele origin: germline.
Comment: This sequence change replaces arginine, which is basic and polar, with leucine, which is neutral and non-polar, at codon 214 of the HOXB13 protein (p.Arg214Leu). This variant is not present in population databases (gnomAD no frequency). This variant has not been reported in the literature in individuals affected with HOXB13-related conditions. ClinVar contains an entry for this variant (Variation ID: 826392). Invitae Evidence Modeling of protein sequence and biophysical properties (such as structural, functional, and spatial information, amino acid conservation, physicochemical variation, residue mobility, and thermodynamic stability) has been performed for this missense variant. However, the output from this modeling did not meet the statistical confidence thresholds required to predict the impact of this variant on HOXB13 protein function. In summary, the available evidence is currently insufficient to determine the role of this variant in disease. Therefore, it has been classified as a Variant of Uncertain Significance.

Ambry Genetics
Classification: Uncertain significance for Hereditary cancer-predisposing syndrome. Last evaluated: 2024-02-23. Review status: criteria provided, single submitter. Criteria: Ambry Variant Classification Scheme 2023. Collection method: clinical testing. Allele origin: germline.
Comment: The p.R214L variant (also known as c.641G>T), located in coding exon 2 of the HOXB13 gene, results from a G to T substitution at nucleotide position 641. The arginine at codon 214 is replaced by leucine, an amino acid with dissimilar properties. This amino acid position is well conserved in available vertebrate species. In addition, the in silico prediction for this alteration is inconclusive. Since supporting evidence is limited at this time, the clinical significance of this alteration remains unclear.

GeneDx
Classification: Uncertain significance. Last evaluated: 2023-03-20. Review status: criteria provided, single submitter. Criteria: GeneDx Variant Classification Process June 2021. Collection method: clinical testing. Allele origin: germline. Affected: yes.
Comment: Not observed at significant frequency in large population cohorts (gnomAD); In silico analysis supports that this missense variant has a deleterious effect on protein structure/function; Has not been previously published as pathogenic or benign to our knowledge; This variant is associated with the following publications: (PMID: 26689913, 19389631, 27397505)

NM_006361.6(HOXB13):c.641G>T (p.Arg214Leu)

Gene: HOXB13 (homeobox B13; minus strand). Cytogenetic location: 17q21.32.
Variant type: single nucleotide variant.
Coding change: c.641G>T on transcript NM_006361.6 (MANE Select); coding-DNA position 641, G replaced by T.
Protein change: p.Arg214Leu; replaces arginine 214 with leucine.
Molecular consequence: missense variant.
Genome position (GRCh38, 1-based): chr17:48,727,004, C>A on the plus strand (G>T on the coding strand, the complement: HOXB13 is on the minus strand). VCF-style: chr17-48727004-C-A. GRCh37 (hg19) VCF-style: chr17-46804366-C-A.
Other names: short protein forms R214L.
Identifiers: ClinVar variation 826392 (VCV000826392.13), dbSNP rs1466480316, ClinGen allele CA400106920.